The following is an entry in ClinVar:

ClinVar aggregate classification (germline): Uncertain significance (1 of 4 stars; one submission).

Conditions:
Spastic paraplegia. Identifiers: MedGen C0037772, HP:0001258.

Submission:

Labcorp Genetics (formerly Invitae), Labcorp
Classification: Uncertain significance for Spastic paraplegia. Last evaluated: 2025-04-24. Review status: criteria provided, single submitter. Criteria: Invitae Variant Classification Sherloc (09022015). Collection method: clinical testing. Allele origin: germline.
Comment: This sequence change falls in intron 4 of the VAMP1 gene. It does not directly change the encoded amino acid sequence of the VAMP1 protein. It affects a nucleotide within the consensus splice site. This variant is not present in population databases (gnomAD no frequency). This variant has not been reported in the literature in individuals affected with VAMP1-related conditions. Variants that disrupt the consensus splice site are a relatively common cause of aberrant splicing (PMID: 17576681, 9536098). Algorithms developed to predict the effect of sequence changes on RNA splicing suggest that this variant may disrupt the consensus splice site. In summary, the available evidence is currently insufficient to determine the role of this variant in disease. Therefore, it has been classified as a Variant of Uncertain Significance.

Literature cited by the submitters: PubMed 17576681; PubMed 9536098.

NM_014231.5(VAMP1):c.340+5G>C

Genes: TAPBPL (TAP binding protein like; plus strand), VAMP1 (vesicle associated membrane protein 1; minus strand). Cytogenetic location: 12p13.31.
Variant type: single nucleotide variant.
Coding change: c.340+5G>C on transcript NM_014231.5 (MANE Select); 5 bases into the intron after coding-DNA position 340, G replaced by C.
Molecular consequence: intron variant. On other transcripts: missense variant (1).
Genome position (GRCh38, 1-based): chr12:6,464,885, C>G on the plus strand (G>C on the coding strand, the complement: VAMP1 is on the minus strand). VCF-style: chr12-6464885-C-G. GRCh37 (hg19) VCF-style: chr12-6574051-C-G.
Other names: c.345G>C, p.Lys115Asn (NM_199245.3); c.340+5G>C (NM_016830.4, NM_001297438.2); short protein forms K115N.
Identifiers: ClinVar variation 4717708 (VCV004717708.1).
Genomic context (GRCh38, chr12:6,464,885, plus strand): 5'-GGCAGGGAGAAGACTCCAGGACCTTCCCACCTCTTCACCCCACCAGCAACTTCAGCGATA[C>G]TTACTTACAATAACTACCACGATGATGGCACAGATGGCTCCCAGCATGATCATCATCTGA-3'